The following is an entry in ClinVar:

ClinVar aggregate classification (germline): Pathogenic. Review status: reviewed by expert panel (3 of 4 stars). 20 submissions from 20 submitters: Pathogenic (1). 19 of the submissions do not count toward it. Last evaluated 2023-09-21.

Conditions:
SERPINC1-related disorder. Also called: SERPINC1-related condition.
Inborn genetic diseases. Identifiers: MedGen C0950123, MeSH D030342.
Hereditary antithrombin deficiency (AT3D). Also called: Reduced antithrombin III activity; Antithrombin III deficiency; Thrombophilia due to antithrombin III deficiency; Antithrombin deficiency. Identifiers: Orphanet 82, MedGen C0272375, MONDO:0013144, OMIM 613118, HP:0001976.

Allele frequency attached by ClinVar (database versions not stated): TOPMed 0.00021; gnomAD 0.00018; ExAC 0.00005; gnomAD exomes 0.00010 and 0.00023; 1000 Genomes Project 0.00040; 1000 Genomes Project 30x 0.00047.
gnomAD v4.1: 364 of 1,614,228 alleles (0.023%); highest among the groups gnomAD compares: Non-Finnish European, 0.028%; no homozygotes.

Submissions 1 to 12 of 20:

Clingen Thrombosis Variant Curation Expert Panel, ClinGen
Classification: Pathogenic for Hereditary antithrombin deficiency. Last evaluated: 2023-09-21. Review status: reviewed by expert panel. Criteria: ClinGen ACMG Specifications SERPINC1 V1.0.0. Collection method: curation. Allele origin: germline. Inheritance: Autosomal dominant inheritance.
Comment: The c.236G>A (p.Arg79His) variant is reported at an FAF of 0.0002303 and MAF of 0.0003380 (23/68044 alleles) in the non-Finnish European population in gnomAD v3.1.1 meeting BS1 criteria of MAF >0.0002. However, this variant is an established founder variant known as AT Padua I making it ineligible for the BS1 rule application. It has a REVEL score of 0.702, and meets PP3. At least 23 individuals with AT deficiency meeting the SERPINC1 phenotype criteria (other cases are reported but do not meet criteria) are reported in the literature meeting PS4_Very Strong and PP4. Additionally, 9 meioses have been reported across 16 families meeting PP1_Strong. In summary, this variant reaches a classification of pathogenic. ACMG/AMP criteria applied, as specified by the Thrombosis Variant Curation Expert Panel for SERPINC1: PS4_Very Strong, PP1_Strong, PM1, PP3, PP4.

Ambry Genetics
Classification: Pathogenic for Inborn genetic diseases. Last evaluated: 2026-08-31. Review status: criteria provided, single submitter. Criteria: Ambry Variant Classification Scheme 2023. Collection method: clinical testing. Allele origin: germline. Not counted in ClinVar's aggregate classification.
Comment: The c.236G>A (p.R79H) alteration is located in exon 2 (coding exon 2) of the SERPINC1 gene. This alteration results from a G to A substitution at nucleotide position 236, causing the arginine (R) at amino acid position 79 to be replaced by a histidine (H). Based on data from gnomAD, this allele has an overall frequency of 0.01% (29/282862) total alleles studied. The highest observed frequency was 0.018% (23/129164) of European (non-Finnish) alleles. This variant was reported in individual(s) with features consistent with SERPINC1-related antithrombin deficiency (Perry, 1989; Wolf, 1990; Luxembourg, 2011; Orlando, 2015; Gindele, 2017; Wypasek, 2017; Kjaergaard, 2019; Baiges, 2020; Vrtel, 2022; Natorska, 2023). Other variants at the same codon, c.235C>T (p.R79C) and c.235C>A (p.R79S), have been identified in individuals with features consistent with SERPINC1-related antithrombin deficiency (Borg, 1988; Yoo, 2011; Orlando, 2015; Marco-Rico, 2023). Note, this variant is also referred to as R47H, Arg47His, AT Padua I, AT Rouen I, or AT III Bligny in the literature. This amino acid position is highly conserved in available vertebrate species. Based on internal structural analysis, R79H is anticipated to disrupt a region of known function. The variant is not destabilizing, but is predicted to be deleterious due to the disruption of direct heparin binding. There is one likely pathogenic variant at the same position (p.R79C). This alteration is predicted to be deleterious by in silico analysis. Based on the available evidence, this alteration is classified as pathogenic.

PreventionGenetics, part of Exact Sciences
Classification: Pathogenic for SERPINC1-related condition. Last evaluated: 2026-08-26. Review status: criteria provided, single submitter. Criteria: ACMG Guidelines, 2015. Collection method: clinical testing. Allele origin: germline. Not counted in ClinVar's aggregate classification.
Comment: The SERPINC1 c.236G>A variant is predicted to result in the amino acid substitution p.Arg79His. This variant is a known causative variant for antithrombin deficiency and has been documented in the literature under many different names, including p.Arg47His and AT Rouen (Owen et al. 1987. PubMed ID: 3567355; Emmerich et al. 1994. PubMed ID: 7981186; Baiges et al. 2019. PubMed ID: 31885188). Functional studies have shown that this variant leads to partial misfolding (Emmerich et al. 1994. PubMed ID: 7981186), and a shorter thrombin half-life (Reda et al. 2021. PubMed ID: 33672736). This variant is reported in 0.018% of alleles in individuals of European (Non-Finnish) descent in gnomAD. This variant is interpreted as pathogenic.

GeneDx
Classification: Pathogenic. Last evaluated: 2026-06-30. Review status: criteria provided, single submitter. Criteria: GeneDx Variant Classification Process June 2021. Collection method: clinical testing. Allele origin: germline. Not counted in ClinVar's aggregate classification.
Comment: Associated with normal inhibitory activity but reduced heparin cofactor activity (PMID: 3567355, 35626216); In silico analysis suggests that this missense variant does not alter protein structure/function; Also known as R47H, Arg47His, AT Padua I, AT Rouen I, or AT III Bligny; This variant is associated with the following publications: (PMID: 25637381, 34426522, 28300866, 28607330, 37647632, 21325262, 24162787, 31064749, 1998601, 17849067, 25837307, 21264449, 3567355, 20088933, 26748602, 7981186, 6582486, 35626216, 29153735, 2363123, 2615648, 3350974, 37201530, 31885188, 33672736, 34800304, 37385134, 30721820, 39255351)

Labcorp Genetics (formerly Invitae), Labcorp
Classification: Pathogenic for Hereditary antithrombin deficiency. Last evaluated: 2025-12-22. Review status: criteria provided, single submitter. Criteria: Invitae Variant Classification Sherloc (09022015). Collection method: clinical testing. Allele origin: germline. Not counted in ClinVar's aggregate classification.
Comment: This sequence change replaces arginine, which is basic and polar, with histidine, which is basic and polar, at codon 79 of the SERPINC1 protein (p.Arg79His). This variant is present in population databases (rs121909552, gnomAD 0.02%). This missense change has been observed in individuals with antithrombin deficiency (PMID: 2363123, 2615648, 3567355, 7981186, 21264449, 25837307, 26748602, 28607330, 29153735, 31885188, 35626216). This variant is also known as R47H, Arg47His, AT Padua I, AT Rouen I, or AT III Bligny. ClinVar contains an entry for this variant (Variation ID: 18014). Invitae Evidence Modeling of protein sequence and biophysical properties (such as structural, functional, and spatial information, amino acid conservation, physicochemical variation, residue mobility, and thermodynamic stability) indicates that this missense variant is expected to disrupt SERPINC1 protein function with a positive predictive value of 95%. This variant disrupts the p.Arg79 (also known as p.Arg47) amino acid residue in SERPINC1. Other variant(s) that disrupt this residue have been determined to be pathogenic (PMID: 6582486, 21325262, 24162787, 28300866). This suggests that this residue is clinically significant, and that variants that disrupt this residue are likely to be disease-causing. For these reasons, this variant has been classified as Pathogenic.

First Genomix Gene Laboratory, Genetic Diagnostics Department
Classification: Pathogenic for Hereditary antithrombin deficiency. Last evaluated: 2025-08-04. Review status: criteria provided, single submitter. Criteria: ACMG Guidelines, 2015. Collection method: clinical testing. Allele origin: germline. Inheritance: Autosomal recessive inheritance. Affected: no. Observed: 1 variant allele. Not counted in ClinVar's aggregate classification.

Institute of Human Genetics, University of Leipzig Medical Center
Classification: Pathogenic for Hereditary antithrombin deficiency. Last evaluated: 2025-03-04. Review status: criteria provided, single submitter. Criteria: ACMG Guidelines, 2015. Collection method: clinical testing. Allele origin: unknown. Affected: yes. Not counted in ClinVar's aggregate classification.
Comment: Criteria applied: PS4_VSTR,PM1,PM5,PP3,PP1_STR

Greenwood Genetic Center Diagnostic Laboratories, Greenwood Genetic Center
Classification: Pathogenic for Hereditary antithrombin deficiency. Last evaluated: 2024-10-03. Review status: criteria provided, single submitter. Criteria: ACMG Guidelines, 2015. Collection method: clinical testing. Allele origin: germline. Not counted in ClinVar's aggregate classification.
Comment: PM1, PP3, PP4, PS4_Very Strong, PP1_Strong

Blueprint Genetics
Classification: Pathogenic for SERPINC1-related disorders. Last evaluated: 2024-09-20. Review status: criteria provided, single submitter. Criteria: ACMG Guidelines, 2015. Collection method: clinical testing. Allele origin: germline. Affected: yes. Observed: 5 variant alleles. Not counted in ClinVar's aggregate classification.

Mayo Clinic Laboratories, Mayo Clinic
Classification: Pathogenic. Last evaluated: 2024-03-07. Review status: criteria provided, single submitter. Criteria: ACMG Guidelines, 2015. Collection method: clinical testing. Allele origin: germline. Not counted in ClinVar's aggregate classification.
Comment: PP1_strong, PP5, PM1, PM2_moderate, PM5, PS4_moderate

Department of Pathology and Laboratory Medicine, Sinai Health System
Classification: Likely pathogenic for Hereditary antithrombin deficiency. Last evaluated: 2023-05-29. Review status: criteria provided, single submitter. Criteria: ACMG Guidelines, 2015. Collection method: research. Allele origin: germline. Not counted in ClinVar's aggregate classification.

Revvity Omics, Revvity
Classification: Likely pathogenic for Hereditary antithrombin deficiency. Last evaluated: 2022-05-11. Review status: criteria provided, single submitter. Criteria: ACMG Guidelines, 2015. Collection method: clinical testing. Allele origin: germline. Not counted in ClinVar's aggregate classification.

NM_000488.4(SERPINC1):c.236G>A (p.Arg79His)

Gene: SERPINC1 (serpin family C member 1; minus strand). Cytogenetic location: 1q25.1.
Variant type: single nucleotide variant.
Coding change: c.236G>A on transcript NM_000488.4 (MANE Select); coding-DNA position 236, G replaced by A.
Protein change: p.Arg79His; replaces arginine 79 with histidine.
Molecular consequence: missense variant.
Genome position (GRCh38, 1-based): chr1:173,914,725, C>T on the plus strand (G>A on the coding strand, the complement: SERPINC1 is on the minus strand). VCF-style: chr1-173914725-C-T. GRCh37 (hg19) VCF-style: chr1-173883863-C-T.
Other names: R47H; NM_000488.3(SERPINC1):c.236G>A; c.92G>A, p.Arg31His (NM_001365052.2); c.236G>A, p.Arg79His (NM_001386302.1, NM_001386304.1, NM_001386305.1 and 1 more transcripts); c.317G>A, p.Arg106His (NM_001386303.1); short protein forms R79H, R31H, R106H.
Identifiers: ClinVar variation 18014 (VCV000018014.72), dbSNP rs121909552, ClinGen allele CA210758.